The following is an entry in ClinVar:

ClinVar aggregate classification (germline): Conflicting classifications of pathogenicity. Review status: criteria provided, conflicting classifications (1 of 4 stars). 2 submissions from 2 submitters: Uncertain significance (1); Likely benign (1). Last evaluated 2025-11-05.

Conditions:
Nephrotic syndrome, type 9 (NPHS9). Identifiers: Orphanet 656, MedGen C3809965, MONDO:0014257, OMIM 615573.

gnomAD v4.1: 98 of 1,614,010 alleles (0.0061%); highest among the groups gnomAD compares: South Asian, 0.1%; 1 homozygote.

Submissions (2):

Labcorp Genetics (formerly Invitae), Labcorp
Classification: Likely benign. Last evaluated: 2025-11-05. Review status: criteria provided, single submitter. Criteria: Invitae Variant Classification Sherloc (09022015). Collection method: clinical testing. Allele origin: germline.

Neuberg Centre For Genomic Medicine, NCGM
Classification: Uncertain significance for Nephrotic syndrome, type 9. Last evaluated: 2023-06-22. Review status: criteria provided, single submitter. Criteria: ACMG Guidelines, 2015. Collection method: clinical testing. Allele origin: germline. Inheritance: Autosomal recessive inheritance. Affected: yes.
Comment: The observed missense c.116G>T(p.Gly39Val) variant in COQ8B gene has not been reported previously as a pathogenic variant nor a benign variant, to our knowledge. The p.Gly39Val variant has been reported with allele frequency of 0.01% in gnomAD Exomes. This variant has not been submitted to the ClinVar database. Multiple lines of computational evidences (Polyphen - Benign, SIFT - Damaging and MutationTaster - Polymorphism) predict conflicting evidence on protein structure and function for this variant. The reference amino acid position at this position on COQ8B gene is predicted as conserved by PhyloP across 100 vertebrates. The amino acid Gly at position 39 is changed to a Val changing protein sequence and it might alter its composition and physico-chemical properties. For these reasons, this variant has been classified as a Variant of Uncertain Significance (VUS).

NM_024876.4(COQ8B):c.116G>T (p.Gly39Val)

Gene: COQ8B (coenzyme Q8B; minus strand). Cytogenetic location: 19q13.2.
Variant type: single nucleotide variant.
Coding change: c.116G>T on transcript NM_024876.4 (MANE Select); coding-DNA position 116, G replaced by T.
Protein change: p.Gly39Val; replaces glycine 39 with valine.
Molecular consequence: missense variant.
Genome position (GRCh38, 1-based): chr19:40,714,384, C>A on the plus strand (G>T on the coding strand, the complement: COQ8B is on the minus strand). VCF-style: chr19-40714384-C-A. GRCh37 (hg19) VCF-style: chr19-41220289-C-A.
Other names: c.116G>T, p.Gly39Val (NM_001142555.3); short protein forms G39V.
Identifiers: ClinVar variation 3377728 (VCV003377728.2).